The following is an entry in ClinVar:

NM_001128840.3(CACNA1D):c.6183G>T (p.Leu2061Phe)

Gene: CACNA1D (calcium voltage-gated channel subunit alpha1 D; plus strand). Cytogenetic location: 3p21.1.
Variant type: single nucleotide variant.
Coding change: c.6183G>T on transcript NM_001128840.3 (MANE Select); coding-DNA position 6183, G replaced by T.
Protein change: p.Leu2061Phe; replaces leucine 2061 with phenylalanine.
Molecular consequence: missense variant.
Genome position (GRCh38, 1-based): chr3:53,810,289, G>T. VCF-style: chr3-53810289-G-T. GRCh37 (hg19) VCF-style: chr3-53844316-G-T.
Other names: c.6243G>T, p.Leu2081Phe (NM_000720.4); c.6111G>T, p.Leu2037Phe (NM_001128839.3); short protein forms L2037F, L2061F, L2081F.
Identifiers: ClinVar variation 3618497 (VCV003618497.2).
Genomic context (GRCh38, chr3:53,810,289, plus strand): 5'-GACTGTCCCCAGCAGCTTCCGGAACAAAAACAGCGACAAGCAGAGGAGTGCGGACAGCTT[G>T]GTGGAGGCAGTGAGTACGGTTCTTGGCCGTGGTGGGCAGGAAGCACCAGGAGCAGCAGAG-3'
Protein context (NP_001122312.1, residues 2051-2071): NSDKQRSADS[Leu2061Phe]VEAVLISEGL

ClinVar aggregate classification (germline): Uncertain significance (1 of 4 stars; one submission).

Submission:

Labcorp Genetics (formerly Invitae), Labcorp
Classification: Uncertain significance. Last evaluated: 2024-10-24. Review status: criteria provided, single submitter. Criteria: Invitae Variant Classification Sherloc (09022015). Collection method: clinical testing. Allele origin: germline.
Comment: This sequence change replaces leucine, which is neutral and non-polar, with phenylalanine, which is neutral and non-polar, at codon 2081 of the CACNA1D protein (p.Leu2081Phe). This variant is present in population databases (no rsID available, gnomAD 0.01%). This variant has not been reported in the literature in individuals affected with CACNA1D-related conditions. An algorithm developed to predict the effect of missense changes on protein structure and function (PolyPhen-2) suggests that this variant is likely to be disruptive. In summary, the available evidence is currently insufficient to determine the role of this variant in disease. Therefore, it has been classified as a Variant of Uncertain Significance.